The following is an entry in ClinVar:

ClinVar aggregate classification (germline): Uncertain significance. Review status: criteria provided, multiple submitters, no conflicts (2 of 4 stars). 2 submissions from 2 submitters: Uncertain significance (2). Last evaluated 2023-03-13.

Conditions:
Autosomal dominant Parkinson disease 8. Also called: LRRK2-Related Parkinson Disease; Parkinson disease 8; Parkinson disease 8, susceptibility to. Identifiers: Orphanet 411602, MedGen C1846862, MONDO:0011764, OMIM 607060.
Inborn genetic diseases. Identifiers: MedGen C0950123, MeSH D030342.

Allele frequency attached by ClinVar (database versions not stated): ExAC 0.00001; gnomAD exomes 0.00001; gnomAD 0.00002; TOPMed 0.00002.

Submissions (2):

Labcorp Genetics (formerly Invitae), Labcorp
Classification: Uncertain significance for Autosomal dominant Parkinson disease 8. Last evaluated: 2023-03-13. Review status: criteria provided, single submitter. Criteria: Invitae Variant Classification Sherloc (09022015). Collection method: clinical testing. Allele origin: germline.
Comment: ClinVar contains an entry for this variant (Variation ID: 1745367). This sequence change replaces methionine, which is neutral and non-polar, with valine, which is neutral and non-polar, at codon 1702 of the LRRK2 protein (p.Met1702Val). This variant is present in population databases (rs201343106, gnomAD 0.004%). This variant has not been reported in the literature in individuals affected with LRRK2-related conditions. Advanced modeling of protein sequence and biophysical properties (such as structural, functional, and spatial information, amino acid conservation, physicochemical variation, residue mobility, and thermodynamic stability) has been performed at Invitae for this missense variant, however the output from this modeling did not meet the statistical confidence thresholds required to predict the impact of this variant on LRRK2 protein function. Algorithms developed to predict the effect of sequence changes on RNA splicing suggest that this variant may create or strengthen a splice site. In summary, the available evidence is currently insufficient to determine the role of this variant in disease. Therefore, it has been classified as a Variant of Uncertain Significance.

Ambry Genetics
Classification: Uncertain significance for Inborn genetic diseases. Last evaluated: 2022-10-03. Review status: criteria provided, single submitter. Criteria: Ambry Variant Classification Scheme 2023. Collection method: clinical testing. Allele origin: germline.
Comment: The p.M1702V variant (also known as c.5104A>G), located in coding exon 35 of the LRRK2 gene, results from an A to G substitution at nucleotide position 5104. The methionine at codon 1702 is replaced by valine, an amino acid with highly similar properties. This amino acid position is conserved. In addition, this alteration is predicted to be deleterious by in silico analysis. Since supporting evidence is limited at this time, the clinical significance of this alteration remains unclear.

NM_198578.4(LRRK2):c.5104A>G (p.Met1702Val)

Gene: LRRK2 (leucine rich repeat kinase 2; plus strand). Cytogenetic location: 12q12.
Variant type: single nucleotide variant.
Coding change: c.5104A>G on transcript NM_198578.4 (MANE Select); coding-DNA position 5104, A replaced by G.
Protein change: p.Met1702Val; replaces methionine 1702 with valine.
Molecular consequence: missense variant.
Genome position (GRCh38, 1-based): chr12:40,321,122, A>G. VCF-style: chr12-40321122-A-G. GRCh37 (hg19) VCF-style: chr12-40714924-A-G.
Other names: short protein forms M1702V.
Identifiers: ClinVar variation 1745367 (VCV001745367.5), dbSNP rs201343106, ClinGen allele CA6514365.
Genomic context (GRCh38, chr12:40,321,122, plus strand): 5'-CTTCCCCATTGTGAGAACTCTGAAATTATCATCCGACTATATGAAATGCCTTATTTTCCA[A>G]TGGGATTTTGGTCAAGATTAATCAATCGATTACTTGAGATTTCACCTTACATGCTTTCAG-3'
Protein context (NP_940980.4, residues 1692-1712): IRLYEMPYFP[Met1702Val]GFWSRLINRL